The following is an entry in ClinVar:

NM_000384.3(APOB):c.2893G>T (p.Val965Phe)

Gene: APOB (apolipoprotein B; minus strand). Cytogenetic location: 2p24.1.
Variant type: single nucleotide variant.
Coding change: c.2893G>T on transcript NM_000384.3 (MANE Select); coding-DNA position 2893, G replaced by T.
Protein change: p.Val965Phe; replaces valine 965 with phenylalanine.
Molecular consequence: missense variant.
Genome position (GRCh38, 1-based): chr2:21,019,829, C>A on the plus strand (G>T on the coding strand, the complement: APOB is on the minus strand). VCF-style: chr2-21019829-C-A. GRCh37 (hg19) VCF-style: chr2-21242701-C-A.
Other names: short protein forms V965F.
Identifiers: ClinVar variation 3932963 (VCV003932963.1).

ClinVar aggregate classification (germline): Uncertain significance (1 of 4 stars; one submission).

Conditions:
Cardiovascular phenotype. Identifiers: MedGen CN230736.

Submission:

Ambry Genetics
Classification: Uncertain significance for Cardiovascular phenotype. Last evaluated: 2025-05-02. Review status: criteria provided, single submitter. Criteria: Ambry Variant Classification Scheme 2023. Collection method: clinical testing. Allele origin: germline.
Comment: The p.V965F variant (also known as c.2893G>T), located in coding exon 19 of the APOB gene, results from a G to T substitution at nucleotide position 2893. The valine at codon 965 is replaced by phenylalanine, an amino acid with highly similar properties. This amino acid position is conserved. In addition, this alteration is predicted to be tolerated by in silico analysis. Based on the available evidence, the clinical significance of this variant remains unclear.